The following is an entry in ClinVar:

NM_007212.4(RNF2):c.766G>C (p.Val256Leu)

Gene: RNF2 (ring finger protein 2; plus strand). Cytogenetic location: 1q25.3.
Variant type: single nucleotide variant.
Coding change: c.766G>C on transcript NM_007212.4 (MANE Select); coding-DNA position 766, G replaced by C.
Protein change: p.Val256Leu; replaces valine 256 with leucine.
Molecular consequence: missense variant.
Genome position (GRCh38, 1-based): chr1:185,099,819, G>C. VCF-style: chr1-185099819-G-C. GRCh37 (hg19) VCF-style: chr1-185068951-G-C.
Other names: short protein forms V256L.
Identifiers: ClinVar variation 3242019 (VCV003242019.1), dbSNP rs2526103152.

ClinVar aggregate classification (germline): Uncertain significance (1 of 4 stars; one submission).

Conditions:
Luo-Schoch-Yamamoto syndrome. Identifiers: MedGen C5561946, MONDO:0859171, OMIM 619460.

Submission:

Neuberg Centre For Genomic Medicine, NCGM
Classification: Uncertain significance for Luo-Schoch-Yamamoto syndrome. Review status: criteria provided, single submitter. Criteria: ACMG Guidelines, 2015. Collection method: clinical testing. Allele origin: germline. Inheritance: Autosomal dominant inheritance. Affected: yes.
Comment: The observed missense variant c.766G>C(p.Val256Leu) in RNF2 gene has not been reported previously as a pathogenic variant nor as a benign variant, to our knowledge. The c.766G>C variant is absent in gnomAD Exomes.The amino acid Valine at position 256 is changed to a Leucine changing protein sequence and it might alter its composition and physico-chemical properties. The variant is predicted to be damaging by SIFT. The amino acid change p.Val256Leu in RNF2 is predicted as conserved by GERP++ and PhyloP across 100 vertebrates. For these reasons, this variant has been classified as Uncertain Significance.